The following is an entry in ClinVar:

NM_004168.4(SDHA):c.408G>A (p.Gln136=)

Gene: SDHA (succinate dehydrogenase complex flavoprotein subunit A; plus strand). Cytogenetic location: 5p15.33.
Variant type: single nucleotide variant.
Coding change: c.408G>A on transcript NM_004168.4 (MANE Select); coding-DNA position 408, G replaced by A.
Protein change: p.Gln136=; no amino-acid change (glutamine 136 retained).
Molecular consequence: synonymous variant. On other transcripts: intron variant (1).
Genome position (GRCh38, 1-based): chr5:225,514, G>A. VCF-style: chr5-225514-G-A. GRCh37 (hg19) VCF-style: chr5-225629-G-A.
Other names: c.408G>A, p.Gln136= (NM_001330758.2); c.313-369G>A (NM_001294332.2).
Identifiers: ClinVar variation 417248 (VCV000417248.26), dbSNP rs190477316, ClinGen allele CA3172811.

ClinVar aggregate classification (germline): Conflicting classifications of pathogenicity. Review status: criteria provided, conflicting classifications (1 of 4 stars). 6 submissions from 6 submitters: Uncertain significance (1); Benign (1); Likely benign (4). Last evaluated 2026-08-06.

Conditions:
Hereditary cancer-predisposing syndrome. Also called: Neoplastic Syndromes, Hereditary; Tumor predisposition; Hereditary Cancer Syndrome; Hereditary neoplastic syndrome. Identifiers: Orphanet 140162, MedGen C0027672, MeSH D009386, MONDO:0015356.
Pheochromocytoma/paraganglioma syndrome 5. Also called: SDHA-Related Hereditary Paraganglioma-Pheochromocytoma Syndrome; Paragangliomas 5. Identifiers: Orphanet 29072, MedGen C3279992, MONDO:0013602, OMIM 614165.
Mitochondrial complex II deficiency, nuclear type 1. Also called: SUCCINATE CoQ REDUCTASE DEFICIENCY. Identifiers: Orphanet 3208, MedGen C5700310, MONDO:0100294, OMIM 252011.

Allele frequency attached by ClinVar (database versions not stated): gnomAD exomes below 0.00001 and 0.00002; ExAC 0.00004; gnomAD 0.00005; TOPMed 0.00006; ESP Exome Variant Server 0.00015; 1000 Genomes Project 30x 0.00016; 1000 Genomes Project 0.00020.
gnomAD v4.1: 10 of 1,613,938 alleles (0.00062%); highest among the groups gnomAD compares: African/African-American, 0.012%; no homozygotes.

Submissions (6):

GeneDx
Classification: Uncertain significance. Last evaluated: 2026-08-06. Review status: criteria provided, single submitter. Criteria: GeneDx Variant Classification Process June 2021. Collection method: clinical testing. Allele origin: germline.
Comment: Has not been previously published as pathogenic or benign to our knowledge; In silico analysis suggests that this variant does not alter splicing

Women's Health and Genetics/Laboratory Corporation of America, LabCorp
Classification: Likely benign. Last evaluated: 2026-06-30. Review status: criteria provided, single submitter. Criteria: LabCorp Variant Classification Summary - May 2015. Collection method: clinical testing. Allele origin: germline.

Labcorp Genetics (formerly Invitae), Labcorp
Classification: Likely benign for Pheochromocytoma/paraganglioma syndrome 5; Mitochondrial complex II deficiency, nuclear type 1. Last evaluated: 2025-12-10. Review status: criteria provided, single submitter. Criteria: Invitae Variant Classification Sherloc (09022015). Collection method: clinical testing. Allele origin: germline.

Myriad Genetics, Inc.
Classification: Benign for Pheochromocytoma/paraganglioma syndrome 5. Last evaluated: 2025-02-28. Review status: criteria provided, single submitter. Criteria: Myriad Autosomal Dominant, Autosomal Recessive and X-Linked Classification Criteria (2023). Collection method: clinical testing. Allele origin: unknown.
Comment: This variant is considered benign. This variant is a silent/synonymous amino acid change and it is not expected to impact splicing.

Sema4
Classification: Likely benign for Hereditary cancer-predisposing syndrome. Last evaluated: 2022-02-15. Review status: criteria provided, single submitter. Criteria: Sema4 Curation Guidelines. Collection method: curation. Allele origin: germline.

Ambry Genetics
Classification: Likely benign for Hereditary cancer-predisposing syndrome. Last evaluated: 2017-02-10. Review status: criteria provided, single submitter. Criteria: Ambry Variant Classification Scheme 2023. Collection method: clinical testing. Allele origin: germline.